The following is an entry in ClinVar:

NM_004385.5(VCAN):c.6829G>A (p.Glu2277Lys)

Genes: VCAN (versican; plus strand), VCAN-AS1 (VCAN antisense RNA 1; minus strand). Cytogenetic location: 5q14.3.
Variant type: single nucleotide variant.
Coding change: c.6829G>A on transcript NM_004385.5 (MANE Select); coding-DNA position 6829, G replaced by A.
Protein change: p.Glu2277Lys; replaces glutamic acid 2277 with lysine.
Molecular consequence: missense variant. On other transcripts: intron variant (2).
Genome position (GRCh38, 1-based): chr5:83,539,832, G>A. VCF-style: chr5-83539832-G-A. GRCh37 (hg19) VCF-style: chr5-82835651-G-A.
Other names: c.3868G>A, p.Glu1290Lys (NM_001164097.2); c.4004-5705G>A (NM_001164098.2); c.1043-5705G>A (NM_001126336.3); short protein forms E1290K, E2277K.
Identifiers: ClinVar variation 904910 (VCV000904910.6), dbSNP rs1746893996, ClinGen allele CA360313420.

ClinVar aggregate classification (germline): Uncertain significance. Review status: criteria provided, multiple submitters, no conflicts (2 of 4 stars). 3 submissions from 2 submitters: Uncertain significance (3). Last evaluated 2024-11-25.

Conditions:
Wagner disease. Also called: WAGNER VITREORETINAL DEGENERATION; WAGNER VITREORETINOPATHY; Wagner Vitreoretinal Degeneration (Wagner Synrdome); WAGNER SYNDROME 1; HYALOIDEORETINAL DEGENERATION OF WAGNER; Wagner syndrome. Identifiers: Orphanet 898, MedGen C1840452, MONDO:0007740, OMIM 143200.
Vitreoretinopathy. Also called: Vitreoretinal degeneration. Identifiers: MedGen C0344290, MONDO:0020248, HP:0007773.

Allele frequency attached by ClinVar (database versions not stated): gnomAD exomes below 0.00001.

Submissions (3):

Labcorp Genetics (formerly Invitae), Labcorp
Classification: Uncertain significance. Last evaluated: 2024-11-25. Review status: criteria provided, single submitter. Criteria: Invitae Variant Classification Sherloc (09022015). Collection method: clinical testing. Allele origin: germline.
Comment: This sequence change replaces glutamic acid, which is acidic and polar, with lysine, which is basic and polar, at codon 2277 of the VCAN protein (p.Glu2277Lys). This variant is not present in population databases (gnomAD no frequency). This variant has not been reported in the literature in individuals affected with VCAN-related conditions. ClinVar contains an entry for this variant (Variation ID: 904910). An algorithm developed to predict the effect of missense changes on protein structure and function outputs the following: PolyPhen-2: "Benign". The lysine amino acid residue is found in multiple mammalian species, which suggests that this missense change does not adversely affect protein function. In summary, the available evidence is currently insufficient to determine the role of this variant in disease. Therefore, it has been classified as a Variant of Uncertain Significance.

Illumina Laboratory Services, Illumina
Classification: Uncertain significance for Wagner disease. Last evaluated: 2018-01-12. Review status: criteria provided, single submitter. Criteria: ICSL Variant Classification Criteria 13 December 2019. Collection method: clinical testing. Allele origin: germline.

Illumina Laboratory Services, Illumina
Classification: Uncertain significance for Vitreoretinopathy. Last evaluated: 2018-01-12. Review status: criteria provided, single submitter. Criteria: ICSL Variant Classification Criteria 13 December 2019. Collection method: clinical testing. Allele origin: germline.